The following is an entry in ClinVar:

ClinVar aggregate classification (germline): Uncertain significance (1 of 4 stars; one submission).

Submission:

Labcorp Genetics (formerly Invitae), Labcorp
Classification: Uncertain significance. Last evaluated: 2023-04-26. Review status: criteria provided, single submitter. Criteria: Invitae Variant Classification Sherloc (09022015). Collection method: clinical testing. Allele origin: germline.
Comment: In summary, the available evidence is currently insufficient to determine the role of this variant in disease. Therefore, it has been classified as a Variant of Uncertain Significance. An algorithm developed to predict the effect of missense changes on protein structure and function (PolyPhen-2) suggests that this variant is likely to be tolerated. This variant has not been reported in the literature in individuals affected with FMN1-related conditions. This variant is not present in population databases (gnomAD no frequency). This sequence change replaces tyrosine, which is neutral and polar, with phenylalanine, which is neutral and non-polar, at codon 1072 of the FMN1 protein (p.Tyr1072Phe).

NM_001277313.2(FMN1):c.3884A>T (p.Tyr1295Phe)

Gene: FMN1 (formin 1; minus strand). Cytogenetic location: 15q13.3.
Variant type: single nucleotide variant.
Coding change: c.3884A>T on transcript NM_001277313.2 (MANE Select); coding-DNA position 3884, A replaced by T.
Protein change: p.Tyr1295Phe; replaces tyrosine 1295 with phenylalanine.
Molecular consequence: missense variant.
Genome position (GRCh38, 1-based): chr15:32,857,059, T>A on the plus strand (A>T on the coding strand, the complement: FMN1 is on the minus strand). VCF-style: chr15-32857059-T-A. GRCh37 (hg19) VCF-style: chr15-33149260-T-A.
Other names: c.3215A>T, p.Tyr1072Phe (NM_001103184.4); short protein forms Y1295F, Y1072F.
Identifiers: ClinVar variation 2859628 (VCV002859628.3), dbSNP rs2549008020, ClinGen allele CA391558330.
Genomic context (GRCh38, chr15:32,857,059, plus strand): 5'-TGACAAAGCTTCCTACCTTTTTGGAAGAACTCCTCTAGTTTGTCCTTGAAAGGCTGGAGA[T>A]ACTCCTTTGGGGACTCCTTGCACACCACCACCATCTGTTTCTCACTTGCTGTGAAGAGAA-3'
Protein context (NP_001264242.1, residues 1285-1305): VVVCKESPKE[Tyr1295Phe]LQPFKDKLEE